The following is an entry in ClinVar:

ClinVar aggregate classification (germline): Uncertain significance. Review status: criteria provided, multiple submitters, no conflicts (2 of 4 stars). 3 submissions from 3 submitters: Uncertain significance (3). Last evaluated 2025-03-19.

Conditions:
Hypogonadotropic hypogonadism 5 with or without anosmia (KAL5). Also called: HYPOGONADOTROPIC HYPOGONADISM 5 WITH ANOSMIA; CHD7-Related GnRH Deficiency (Kallmann Syndrome 5); HYPOGONADOTROPHIC HYPOGONADISM 5 WITHOUT ANOSMIA. Identifiers: Orphanet 478, MedGen C3552553, MONDO:0012880, OMIM 612370. Disease mechanism: loss of function.
CHARGE syndrome (CHARGE). Also called: Hittner Hirsch Kreh syndrome; CHARGE ASSOCIATION--COLOBOMA, HEART ANOMALY, CHOANAL ATRESIA, RETARDATION, GENITAL AND EAR ANOMALIES; Coloboma, heart anomaly, choanal atresia, retardation, genital and ear anomalies; CHARGE association; Hall-Hittner syndrome. Identifiers: Orphanet 138, MedGen C0265354, MONDO:0008965.

Allele frequency attached by ClinVar (database versions not stated): gnomAD exomes below 0.00001; gnomAD 0.00001; TOPMed 0.00003.
gnomAD v4.1: 3 of 1,613,758 alleles (0.00019%); highest among the groups gnomAD compares: Admixed American, 0.005%; no homozygotes.

Submissions (3):

Labcorp Genetics (formerly Invitae), Labcorp
Classification: Uncertain significance for CHARGE syndrome. Last evaluated: 2025-03-19. Review status: criteria provided, single submitter. Criteria: Invitae Variant Classification Sherloc (09022015). Collection method: clinical testing. Allele origin: germline.
Comment: This sequence change replaces isoleucine, which is neutral and non-polar, with valine, which is neutral and non-polar, at codon 1015 of the CHD7 protein (p.Ile1015Val). This variant is not present in population databases (gnomAD no frequency). This variant has not been reported in the literature in individuals affected with CHD7-related conditions. ClinVar contains an entry for this variant (Variation ID: 1315548). Invitae Evidence Modeling of protein sequence and biophysical properties (such as structural, functional, and spatial information, amino acid conservation, physicochemical variation, residue mobility, and thermodynamic stability) indicates that this missense variant is not expected to disrupt CHD7 protein function with a negative predictive value of 95%. In summary, the available evidence is currently insufficient to determine the role of this variant in disease. Therefore, it has been classified as a Variant of Uncertain Significance.

GeneDx
Classification: Uncertain significance. Last evaluated: 2022-11-28. Review status: criteria provided, single submitter. Criteria: GeneDx Variant Classification Process June 2021. Collection method: clinical testing. Allele origin: germline. Affected: yes.
Comment: Not observed in large population cohorts (gnomAD); In silico analysis supports that this missense variant does not alter protein structure/function; Has not been previously published as pathogenic or benign to our knowledge

Fulgent Genetics
Classification: Uncertain significance for CHD7-related CHARGE syndrome; Hypogonadotropic hypogonadism 5 with or without anosmia. Last evaluated: 2021-10-20. Review status: criteria provided, single submitter. Criteria: ACMG Guidelines, 2015. Collection method: clinical testing. Allele origin: unknown.

NM_017780.4(CHD7):c.3043A>G (p.Ile1015Val)

Gene: CHD7 (chromodomain helicase DNA binding protein 7; plus strand). Cytogenetic location: 8q12.2.
Variant type: single nucleotide variant.
Coding change: c.3043A>G on transcript NM_017780.4 (MANE Select); coding-DNA position 3043, A replaced by G.
Protein change: p.Ile1015Val; replaces isoleucine 1015 with valine.
Molecular consequence: missense variant. On other transcripts: intron variant (1).
Genome position (GRCh38, 1-based): chr8:60,822,588, A>G. VCF-style: chr8-60822588-A-G. GRCh37 (hg19) VCF-style: chr8-61735147-A-G.
Other names: c.1717-39641A>G (NM_001316690.1); short protein forms I1015V.
Identifiers: ClinVar variation 1315548 (VCV001315548.5), dbSNP rs1415116812, ClinGen allele CA371309480.
Genomic context (GRCh38, chr8:60,822,588, plus strand): 5'-ATGGGTTTGGGAAAAACTATCCAGTCCATTACATTTCTCTATGAGATATATTTGAAAGGA[A>G]TCCATGGCCCTTTTTTAGTAATTGCCCCATTGTCCACAATCCCCAACTGGGAAAGGGAAT-3'
Protein context (NP_060250.2, residues 1005-1025): TFLYEIYLKG[Ile1015Val]HGPFLVIAPL